The following is an entry in ClinVar:

ClinVar aggregate classification (germline): Likely benign (0 of 4 stars; one submission).

Conditions:
FREM2-related disorder. Also called: FREM2-related condition.

Allele frequency attached by ClinVar (database versions not stated): gnomAD exomes below 0.00001; TOPMed below 0.00001.
gnomAD v4.1: 1 of 1,614,042 alleles (0.000062%); highest among the groups gnomAD compares: East Asian, 0.0022%; no homozygotes.

Submission:

PreventionGenetics, part of Exact Sciences
Classification: Likely benign for FREM2-related condition. Last evaluated: 2021-06-28. Review status: no assertion criteria provided. Collection method: clinical testing. Allele origin: germline.
Comment: This variant is classified as likely benign based on ACMG/AMP sequence variant interpretation guidelines (Richards et al. 2015 PMID: 25741868, with internal and published modifications).

NM_207361.6(FREM2):c.2097C>G (p.Leu699=)

Gene: FREM2 (FRAS1 related extracellular matrix 2; plus strand). Cytogenetic location: 13q13.3.
Variant type: single nucleotide variant.
Coding change: c.2097C>G on transcript NM_207361.6 (MANE Select); coding-DNA position 2097, C replaced by G.
Protein change: p.Leu699=; no amino-acid change (leucine 699 retained).
Molecular consequence: synonymous variant.
Genome position (GRCh38, 1-based): chr13:38,689,441, C>G. VCF-style: chr13-38689441-C-G. GRCh37 (hg19) VCF-style: chr13-39263578-C-G.
Identifiers: ClinVar variation 3061640 (VCV003061640.2), dbSNP rs1869698393, ClinGen allele CA483427822.
Genomic context (GRCh38, chr13:38,689,441, plus strand): 5'-CCCTCCTAATCAGTCCGGGCTACAGCGGTTTGTGATTCGTATCCATCCTGTGGATCGCCT[C>G]CCTCCGGAGCTGGGCAGTGGCTGTCCCCTTCGTATGGTGGTACAGGAATCCCAGCTCACA-3'
Protein context (NP_997244.4, residues 689-709): FVIRIHPVDR[Leu699=]PPELGSGCPL